The following is an entry in ClinVar:

ClinVar aggregate classification (germline): Uncertain significance (1 of 4 stars; one submission).

Allele frequency attached by ClinVar (database versions not stated): gnomAD exomes below 0.00001.
gnomAD v4.1: 1 of 1,613,258 alleles (0.000062%); highest among the groups gnomAD compares: Non-Finnish European, 0.000085%; no homozygotes.

Submission:

Labcorp Genetics (formerly Invitae), Labcorp
Classification: Uncertain significance. Last evaluated: 2024-10-16. Review status: criteria provided, single submitter. Criteria: Invitae Variant Classification Sherloc (09022015). Collection method: clinical testing. Allele origin: germline.
Comment: This sequence change replaces serine, which is neutral and polar, with cysteine, which is neutral and slightly polar, at codon 3257 of the DCHS1 protein (p.Ser3257Cys). This variant is not present in population databases (gnomAD no frequency). This variant has not been reported in the literature in individuals affected with DCHS1-related conditions. ClinVar contains an entry for this variant (Variation ID: 1944321). An algorithm developed to predict the effect of missense changes on protein structure and function (PolyPhen-2) suggests that this variant is likely to be disruptive. In summary, the available evidence is currently insufficient to determine the role of this variant in disease. Therefore, it has been classified as a Variant of Uncertain Significance.

NM_003737.4(DCHS1):c.9770C>G (p.Ser3257Cys)

Gene: DCHS1 (dachsous cadherin-related 1; minus strand). Cytogenetic location: 11p15.4.
Variant type: single nucleotide variant.
Coding change: c.9770C>G on transcript NM_003737.4 (MANE Select); coding-DNA position 9770, C replaced by G.
Protein change: p.Ser3257Cys; replaces serine 3257 with cysteine.
Molecular consequence: missense variant.
Genome position (GRCh38, 1-based): chr11:6,621,906, G>C on the plus strand (C>G on the coding strand, the complement: DCHS1 is on the minus strand). VCF-style: chr11-6621906-G-C. GRCh37 (hg19) VCF-style: chr11-6643137-G-C.
Other names: short protein forms S3257C.
Identifiers: ClinVar variation 1944321 (VCV001944321.5), dbSNP rs1855697810, ClinGen allele CA379477723.